The following is an entry in ClinVar:

ClinVar aggregate classification (germline): Uncertain significance (1 of 4 stars; one submission).

Conditions:
Ataxia-telangiectasia syndrome (AT). Also called: LOUIS-BAR SYNDROME; Cerebello-oculocutaneous telangiectasia; Immunodeficiency with ataxia telangiectasia; Ataxia telangiectasia (A-T); Ataxia-telangiectasia, complementation group D; AT, COMPLEMENTATION GROUP C. Identifiers: Orphanet 100, MedGen C0004135, MONDO:0008840, OMIM 208900.

Submission:

Labcorp Genetics (formerly Invitae), Labcorp
Classification: Uncertain significance for Ataxia-telangiectasia syndrome. Last evaluated: 2024-06-30. Review status: criteria provided, single submitter. Criteria: Invitae Variant Classification Sherloc (09022015). Collection method: clinical testing. Allele origin: germline.
Comment: This sequence change replaces leucine, which is neutral and non-polar, with tryptophan, which is neutral and slightly polar, at codon 2447 of the ATM protein (p.Leu2447Trp). This variant is not present in population databases (gnomAD no frequency). This missense change has been observed in individual(s) with melanoma (PMID: 34262154). An algorithm developed to predict the effect of missense changes on protein structure and function (PolyPhen-2) suggests that this variant is likely to be disruptive. In summary, the available evidence is currently insufficient to determine the role of this variant in disease. Therefore, it has been classified as a Variant of Uncertain Significance.

Literature cited by the submitters: PubMed 34262154.

NM_000051.4(ATM):c.7340T>G (p.Leu2447Trp)

Genes: ATM (ATM serine/threonine kinase; plus strand), C11orf65 (chromosome 11 open reading frame 65; minus strand). Cytogenetic location: 11q22.3.
Variant type: single nucleotide variant.
Coding change: c.7340T>G on transcript NM_000051.4 (MANE Select); coding-DNA position 7340, T replaced by G.
Protein change: p.Leu2447Trp; replaces leucine 2447 with tryptophan.
Molecular consequence: missense variant. On other transcripts: intron variant (2).
Genome position (GRCh38, 1-based): chr11:108,330,246, T>G. VCF-style: chr11-108330246-T-G. GRCh37 (hg19) VCF-style: chr11-108200973-T-G.
Other names: c.7340T>G, p.Leu2447Trp (NM_001351834.2); c.641-21175A>C (NM_001330368.2); c.*38+4974A>C (NM_001351110.2); short protein forms L2447W.
Identifiers: ClinVar variation 2692785 (VCV002692785.3), dbSNP rs2136453754, ClinGen allele CA382559920.
Genomic context (GRCh38, chr11:108,330,246, plus strand): 5'-GTGTTTTACCTTAATTATTCTATGCAAGATACACAGTAAAGGTTCAGCGAGAGCTGGAGT[T>G]GGATGAATTAGCCCTGCGTGCACTGAAAGAGGATCGTAAACGCTTCTTATGTAAAGCAGT-3'
Protein context (NP_000042.3, residues 2437-2457): YTVKVQRELE[Leu2447Trp]DELALRALKE